The following is an entry in ClinVar:

ClinVar aggregate classification (germline): Conflicting classifications of pathogenicity. Review status: criteria provided, conflicting classifications (1 of 4 stars). 4 submissions from 4 submitters: Uncertain significance (1); Benign (1); Likely benign (2). Last evaluated 2025-09-16.

Conditions:
Autosomal recessive distal spinal muscular atrophy 1. Also called: HMN VI; NEURONOPATHY, SEVERE INFANTILE AXONAL, WITH RESPIRATORY FAILURE; SEVERE INFANTILE AXONAL NEUROPATHY WITH RESPIRATORY FAILURE; SPINAL MUSCULAR ATROPHY, DIAPHRAGMATIC; Spinal muscular atrophy with respiratory distress 1; NEURONOPATHY, DISTAL HEREDITARY MOTOR, HARDING TYPE VI. Identifiers: Orphanet 98920, MedGen C1858517, MONDO:0011436, OMIM 604320.
Charcot-Marie-Tooth disease. Also called: Charcot-Marie-Tooth Neuropathy; Charcot-Marie-Tooth Hereditary Neuropathy. Identifiers: Orphanet 166, MedGen C0007959, MONDO:0015626.

Allele frequency attached by ClinVar (database versions not stated): gnomAD 0.00049 and 0.00050; TOPMed 0.00061; ESP Exome Variant Server 0.00062; gnomAD exomes 0.00062; ExAC 0.00079; 1000 Genomes Project 0.00100; 1000 Genomes Project 30x 0.00109.
gnomAD v4.1: 1,524 of 1,603,906 alleles (0.095%); highest among the groups gnomAD compares: Non-Finnish European, 0.12%; 1 homozygote.

Submissions (4):

Women's Health and Genetics/Laboratory Corporation of America, LabCorp
Classification: Benign. Last evaluated: 2025-09-16. Review status: criteria provided, single submitter. Criteria: LabCorp Variant Classification Summary - May 2015. Collection method: clinical testing. Allele origin: germline.
Comment: Variant summary: IGHMBP2 c.*6C>T is located in the untranslated mRNA region downstream of the termination codon. The variant allele was found at a frequency of 0.00062 in 227288 control chromosomes, predominantly at a frequency of 0.0012 within the Non-Finnish European subpopulation in the gnomAD database, including one homozygote. The observed variant frequency within Non-Finnish European control individuals in the gnomAD database exceeds the estimated maximal expected allele frequency for disease-causing variants in IGHMBP2. To our knowledge, no occurrence of c.*6C>T in individuals affected with IGHMBP2-related conditions and no experimental evidence demonstrating its impact on protein function have been reported. ClinVar contains an entry for this variant (Variation ID: 305866). Based on the evidence outlined above, the variant was classified as benign.

GeneDx
Classification: Likely benign. Last evaluated: 2020-09-23. Review status: criteria provided, single submitter. Criteria: GeneDx Variant Classification Process June 2021. Collection method: clinical testing. Allele origin: germline. Affected: yes.

Illumina Laboratory Services, Illumina
Classification: Uncertain significance for Autosomal recessive distal spinal muscular atrophy 1. Last evaluated: 2018-01-12. Review status: criteria provided, single submitter. Criteria: ICSL Variant Classification Criteria 13 December 2019. Collection method: clinical testing. Allele origin: germline.

Molecular Genetics Laboratory, London Health Sciences Centre
Classification: Likely benign for Charcot-Marie-Tooth disease. Review status: criteria provided, single submitter. Criteria: ACMG Guidelines, 2015. Collection method: clinical testing. Allele origin: germline. Affected: yes.

NM_002180.3(IGHMBP2):c.*6C>T

Gene: IGHMBP2 (immunoglobulin mu DNA binding protein 2; plus strand). Cytogenetic location: 11q13.3.
Variant type: single nucleotide variant.
Coding change: c.*6C>T on transcript NM_002180.3 (MANE Select); 6 bases downstream of the stop codon, C replaced by T.
Molecular consequence: 3 prime UTR variant.
Genome position (GRCh38, 1-based): chr11:68,939,737, C>T. VCF-style: chr11-68939737-C-T. GRCh37 (hg19) VCF-style: chr11-68707205-C-T.
Identifiers: ClinVar variation 305866 (VCV000305866.9), dbSNP rs117995705, ClinGen allele CA6154080.